The following is an entry in ClinVar:

NM_000038.6(APC):c.6605A>C (p.Lys2202Thr)

Gene: APC (APC regulator of Wnt signaling pathway; plus strand). Cytogenetic location: 5q22.2.
Variant type: single nucleotide variant.
Coding change: c.6605A>C on transcript NM_000038.6 (MANE Select); coding-DNA position 6605, A replaced by C.
Protein change: p.Lys2202Thr; replaces lysine 2202 with threonine.
Molecular consequence: missense variant.
Genome position (GRCh38, 1-based): chr5:112,842,199, A>C. VCF-style: chr5-112842199-A-C. GRCh37 (hg19) VCF-style: chr5-112177896-A-C.
Other names: c.6605A>C, p.Lys2202Thr (NM_001127510.3, NM_001354895.2); c.6551A>C, p.Lys2184Thr (NM_001127511.3); c.6659A>C, p.Lys2220Thr (NM_001354896.2); c.6635A>C, p.Lys2212Thr (NM_001354897.2); c.6530A>C, p.Lys2177Thr (NM_001354898.2); c.6521A>C, p.Lys2174Thr (NM_001354899.2); c.6482A>C, p.Lys2161Thr (NM_001354900.2); c.6428A>C, p.Lys2143Thr (NM_001354901.2); and 5 more; short protein forms K2184T, K2202T, K1919T, K2042T, K2076T, K2101T, K2174T, K2212T.
Identifiers: ClinVar variation 482320 (VCV000482320.21), dbSNP rs1554087564, ClinGen allele CA16035783.

ClinVar aggregate classification (germline): Uncertain significance. Review status: criteria provided, multiple submitters, no conflicts (2 of 4 stars). 3 submissions from 3 submitters: Uncertain significance (3). Last evaluated 2025-01-14.

Conditions:
Hereditary cancer-predisposing syndrome. Also called: Neoplastic Syndromes, Hereditary; Tumor predisposition; Hereditary Cancer Syndrome; Hereditary neoplastic syndrome. Identifiers: Orphanet 140162, MedGen C0027672, MeSH D009386, MONDO:0015356.
Familial adenomatous polyposis 1 (FAP1). Also called: FAMILIAL ADENOMATOUS POLYPOSIS 1, ATTENUATED; POLYPOSIS, ADENOMATOUS INTESTINAL. Identifiers: MedGen C2713442, MONDO:0021056, OMIM 175100. Disease mechanism: loss of function.

Allele frequency attached by ClinVar (database versions not stated): gnomAD exomes 0.00001.
gnomAD v4.1: 3 of 1,613,348 alleles (0.00019%); highest among the groups gnomAD compares: East Asian, 0.0067%; no homozygotes.

Submissions (3):

Labcorp Genetics (formerly Invitae), Labcorp
Classification: Uncertain significance for Familial adenomatous polyposis 1. Last evaluated: 2025-01-14. Review status: criteria provided, single submitter. Criteria: Invitae Variant Classification Sherloc (09022015). Collection method: clinical testing. Allele origin: germline.
Comment: This sequence change replaces lysine, which is basic and polar, with threonine, which is neutral and polar, at codon 2202 of the APC protein (p.Lys2202Thr). This variant is not present in population databases (gnomAD no frequency). This variant has not been reported in the literature in individuals affected with APC-related conditions. ClinVar contains an entry for this variant (Variation ID: 482320). Invitae Evidence Modeling of protein sequence and biophysical properties (such as structural, functional, and spatial information, amino acid conservation, physicochemical variation, residue mobility, and thermodynamic stability) indicates that this missense variant is not expected to disrupt APC protein function with a negative predictive value of 95%. In summary, the available evidence is currently insufficient to determine the role of this variant in disease. Therefore, it has been classified as a Variant of Uncertain Significance.

Color Diagnostics, LLC DBA Color Health
Classification: Uncertain significance for Hereditary cancer-predisposing syndrome. Last evaluated: 2023-12-05. Review status: criteria provided, single submitter. Criteria: ACMG Guidelines, 2015. Collection method: clinical testing. Allele origin: germline.
Comment: This missense variant replaces lysine with threonine at codon 2202 of the APC protein. Computational prediction is inconclusive regarding the impact of this variant on protein structure and function (internally defined REVEL score threshold 0.5 < inconclusive < 0.7, PMID: 27666373). To our knowledge, functional studies have not been reported for this variant. This variant has not been reported in individuals affected with APC-related disorders in the literature. This variant has not been identified in the general population by the Genome Aggregation Database (gnomAD). The available evidence is insufficient to determine the role of this variant in disease conclusively. Therefore, this variant is classified as a Variant of Uncertain Significance.

Ambry Genetics
Classification: Uncertain significance for Hereditary cancer-predisposing syndrome. Last evaluated: 2020-03-23. Review status: criteria provided, single submitter. Criteria: Ambry Variant Classification Scheme 2023. Collection method: clinical testing. Allele origin: germline.
Comment: The p.K2202T variant (also known as c.6605A>C), located in coding exon 15 of the APC gene, results from an A to C substitution at nucleotide position 6605. The lysine at codon 2202 is replaced by threonine, an amino acid with similar properties. This amino acid position is highly conserved in available vertebrate species. In addition, in silico predictors for this gene do not accurately predict pathogenicity. Since supporting evidence is limited at this time, the clinical significance of this alteration remains unclear.